The following is an entry in ClinVar:

ClinVar aggregate classification (germline): Uncertain significance. Review status: criteria provided, multiple submitters, no conflicts (2 of 4 stars). 2 submissions from 2 submitters: Uncertain significance (2). Last evaluated 2025-07-03.

Conditions:
Hereditary cancer-predisposing syndrome. Also called: Tumor predisposition; Hereditary Cancer Syndrome; Hereditary neoplastic syndrome; Neoplastic Syndromes, Hereditary. Identifiers: Orphanet 140162, MedGen C0027672, MeSH D009386, MONDO:0015356.
Oligodontia-cancer predisposition syndrome. Also called: TOOTH AGENESIS-COLORECTAL CANCER SYNDROME. Identifiers: Orphanet 300576, MedGen C1837750, MONDO:0012075, OMIM 608615. Disease mechanism: loss of function.

Submissions (2):

Ambry Genetics
Classification: Uncertain significance for Hereditary cancer-predisposing syndrome. Last evaluated: 2025-07-03. Review status: criteria provided, single submitter. Criteria: Ambry Variant Classification Scheme 2023. Collection method: clinical testing. Allele origin: germline.
Comment: The p.E366D variant (also known as c.1098A>T), located in coding exon 4 of the AXIN2 gene, results from an A to T substitution at nucleotide position 1098. The glutamic acid at codon 366 is replaced by aspartic acid, an amino acid with highly similar properties. This amino acid position is conserved. In addition, this alteration is predicted to be tolerated by in silico analysis. Based on the available evidence, the clinical significance of this variant remains unclear.

Labcorp Genetics (formerly Invitae), Labcorp
Classification: Uncertain significance for Oligodontia-cancer predisposition syndrome. Last evaluated: 2022-05-05. Review status: criteria provided, single submitter. Criteria: Invitae Variant Classification Sherloc (09022015). Collection method: clinical testing. Allele origin: germline.
Comment: This sequence change replaces glutamic acid, which is acidic and polar, with aspartic acid, which is acidic and polar, at codon 366 of the AXIN2 protein (p.Glu366Asp). This variant is not present in population databases (gnomAD no frequency). This variant has not been reported in the literature in individuals affected with AXIN2-related conditions. Algorithms developed to predict the effect of missense changes on protein structure and function output the following: SIFT: "Tolerated"; PolyPhen-2: "Benign"; Align-GVGD: "Class C0". The aspartic acid amino acid residue is found in multiple mammalian species, which suggests that this missense change does not adversely affect protein function. In summary, the available evidence is currently insufficient to determine the role of this variant in disease. Therefore, it has been classified as a Variant of Uncertain Significance.

NM_004655.4(AXIN2):c.1098A>T (p.Glu366Asp)

Gene: AXIN2 (axin 2; minus strand). Cytogenetic location: 17q24.1.
Variant type: single nucleotide variant.
Coding change: c.1098A>T on transcript NM_004655.4 (MANE Select); coding-DNA position 1098, A replaced by T.
Protein change: p.Glu366Asp; replaces glutamic acid 366 with aspartic acid.
Molecular consequence: missense variant.
Genome position (GRCh38, 1-based): chr17:65,538,305, T>A on the plus strand (A>T on the coding strand, the complement: AXIN2 is on the minus strand). VCF-style: chr17-65538305-T-A. GRCh37 (hg19) VCF-style: chr17-63534423-T-A.
Other names: c.1098A>T, p.Glu366Asp (NM_001363813.1); short protein forms E366D.
Identifiers: ClinVar variation 1972350 (VCV001972350.6), dbSNP rs761105129, ClinGen allele CA400678487.